The following is an entry in ClinVar:

NM_006009.4(TUBA1A):c.-4A>C

Gene: TUBA1A (tubulin alpha 1a; minus strand). Cytogenetic location: 12q13.12.
Variant type: single nucleotide variant.
Coding change: c.-4A>C on transcript NM_006009.4 (MANE Select); 4 bases upstream of the start codon, A replaced by C.
Molecular consequence: 5 prime UTR variant.
Genome position (GRCh38, 1-based): chr12:49,188,983, T>G on the plus strand (A>C on the coding strand, the complement: TUBA1A is on the minus strand). VCF-style: chr12-49188983-T-G. GRCh37 (hg19) VCF-style: chr12-49582766-T-G.
Other names: c.-564A>C (NM_001270399.2); c.-197A>C (NM_001270400.2).
Identifiers: ClinVar variation 4681411 (VCV004681411.5).

ClinVar aggregate classification (germline): Likely benign (1 of 4 stars; one submission).

gnomAD v4.1: 60 of 1,614,196 alleles (0.0037%); highest among the groups gnomAD compares: Admixed American, 0.057%; no homozygotes.

Submission:

CeGaT Center for Human Genetics Tuebingen
Classification: Likely benign. Last evaluated: 2025-12-01. Review status: criteria provided, single submitter. Criteria: CeGaT Center For Human Genetics Tuebingen Variant Classification Criteria Version 2. Collection method: clinical testing. Allele origin: germline. Affected: yes. Observed: 1 variant allele.
Comment: TUBA1A: BP4